The following is an entry in ClinVar:

ClinVar aggregate classification (germline): Uncertain significance (1 of 4 stars; one submission).

Submission:

Labcorp Genetics (formerly Invitae), Labcorp
Classification: Uncertain significance. Last evaluated: 2022-03-11. Review status: criteria provided, single submitter. Criteria: Invitae Variant Classification Sherloc (09022015). Collection method: clinical testing. Allele origin: germline.
Comment: This sequence change replaces valine, which is neutral and non-polar, with alanine, which is neutral and non-polar, at codon 391 of the RUSC2 protein (p.Val391Ala). This variant is not present in population databases (gnomAD no frequency). This variant has not been reported in the literature in individuals affected with RUSC2-related conditions. Algorithms developed to predict the effect of missense changes on protein structure and function are either unavailable or do not agree on the potential impact of this missense change (SIFT: "Deleterious"; PolyPhen-2: "Benign"; Align-GVGD: "Class C0"). In summary, the available evidence is currently insufficient to determine the role of this variant in disease. Therefore, it has been classified as a Variant of Uncertain Significance.

NM_014806.5(RUSC2):c.1172T>C (p.Val391Ala)

Gene: RUSC2 (RUN and SH3 domain containing 2; plus strand). Cytogenetic location: 9p13.3.
Variant type: single nucleotide variant.
Coding change: c.1172T>C on transcript NM_014806.5 (MANE Select); coding-DNA position 1172, T replaced by C.
Protein change: p.Val391Ala; replaces valine 391 with alanine.
Molecular consequence: missense variant. On other transcripts: non-coding transcript variant (1), intron variant (1).
Genome position (GRCh38, 1-based): chr9:35,547,693, T>C. VCF-style: chr9-35547693-T-C. GRCh37 (hg19) VCF-style: chr9-35547690-T-C.
Other names: c.1172T>C, p.Val391Ala (NM_001135999.2); c.-620-7367T>C (NM_001330740.2); short protein forms V391A.
Identifiers: ClinVar variation 2109246 (VCV002109246.4), dbSNP rs2490382887, ClinGen allele CA373331525.